The following is an entry in ClinVar:

ClinVar aggregate classification (germline): Uncertain significance. Review status: criteria provided, multiple submitters, no conflicts (2 of 4 stars). 2 submissions from 2 submitters: Uncertain significance (2). Last evaluated 2026-01-18.

Allele frequency attached by ClinVar (database versions not stated): gnomAD exomes below 0.00001; ExAC 0.00002; TOPMed 0.00003; gnomAD 0.00005 and 0.00006.
gnomAD v4.1: 11 of 1,572,580 alleles (0.0007%); highest among the groups gnomAD compares: African/African-American, 0.012%; no homozygotes.

Submissions (2):

GeneDx
Classification: Uncertain significance. Last evaluated: 2026-01-18. Review status: criteria provided, single submitter. Criteria: GeneDx Variant Classification Process June 2021. Collection method: clinical testing. Allele origin: germline. Affected: yes.
Comment: Not observed at significant frequency in large population cohorts (gnomAD); In silico analysis suggests that this missense variant does not alter protein structure/function; Has not been previously reported as a pathogenic or benign germline variant to our knowledge; This variant is associated with the following publications: (PMID: 30019023)

Eurofins Ntd Llc (ga)
Classification: Uncertain significance. Last evaluated: 2016-01-07. Review status: criteria provided, single submitter. Criteria: EGL Classification Definitions 2015. Collection method: clinical testing. Allele origin: germline. Observed: 1 variant allele, 1 heterozygote.

NM_000466.3(PEX1):c.1256G>A (p.Arg419Lys)

Gene: PEX1 (peroxisomal biogenesis factor 1; minus strand). Cytogenetic location: 7q21.2.
Variant type: single nucleotide variant.
Coding change: c.1256G>A on transcript NM_000466.3 (MANE Select); coding-DNA position 1256, G replaced by A.
Protein change: p.Arg419Lys; replaces arginine 419 with lysine.
Molecular consequence: missense variant.
Genome position (GRCh38, 1-based): chr7:92,513,951, C>T on the plus strand (G>A on the coding strand, the complement: PEX1 is on the minus strand). VCF-style: chr7-92513951-C-T. GRCh37 (hg19) VCF-style: chr7-92143265-C-T.
Other names: c.1256G>A, p.Arg419Lys (NM_001282677.2); c.632G>A, p.Arg211Lys (NM_001282678.2); c.1256G>A (NM_000466.2); short protein forms R419K, R211K.
Identifiers: ClinVar variation 285507 (VCV000285507.7), dbSNP rs748937542, ClinGen allele CA4341450.